The following is an entry in ClinVar:

NM_018942.3(HMX1):c.602G>A (p.Gly201Asp)

Gene: HMX1 (H6 family homeobox 1; minus strand). Cytogenetic location: 4p16.1.
Variant type: single nucleotide variant.
Coding change: c.602G>A on transcript NM_018942.3 (MANE Select); coding-DNA position 602, G replaced by A.
Protein change: p.Gly201Asp; replaces glycine 201 with aspartic acid.
Molecular consequence: missense variant. On other transcripts: intron variant (1).
Genome position (GRCh38, 1-based): chr4:8,868,138, C>T on the plus strand (G>A on the coding strand, the complement: HMX1 is on the minus strand). VCF-style: chr4-8868138-C-T. GRCh37 (hg19) VCF-style: chr4-8869864-C-T.
Other names: c.394+3083G>A (NM_001306142.2); short protein forms G201D.
Identifiers: ClinVar variation 1715318 (VCV001715318.5), dbSNP rs1297343015, ClinGen allele CA356278220.

ClinVar aggregate classification (germline): Uncertain significance (1 of 4 stars; one submission).

Allele frequency attached by ClinVar (database versions not stated): TOPMed below 0.00001.

Submission:

Labcorp Genetics (formerly Invitae), Labcorp
Classification: Uncertain significance. Last evaluated: 2022-08-06. Review status: criteria provided, single submitter. Criteria: Invitae Variant Classification Sherloc (09022015). Collection method: clinical testing. Allele origin: germline.
Comment: This sequence change replaces glycine, which is neutral and non-polar, with aspartic acid, which is acidic and polar, at codon 201 of the HMX1 protein (p.Gly201Asp). In summary, the available evidence is currently insufficient to determine the role of this variant in disease. Therefore, it has been classified as a Variant of Uncertain Significance. Algorithms developed to predict the effect of missense changes on protein structure and function are either unavailable or do not agree on the potential impact of this missense change (SIFT: "Deleterious"; PolyPhen-2: "Probably Damaging"; Align-GVGD: "Class C0"). This variant has not been reported in the literature in individuals affected with HMX1-related conditions. This variant is not present in population databases (gnomAD no frequency).